The following is an entry in ClinVar:

ClinVar aggregate classification (germline): Uncertain significance. Review status: criteria provided, multiple submitters, no conflicts (2 of 4 stars). 3 submissions from 3 submitters: Uncertain significance (3). Last evaluated 2024-05-15.

Conditions:
Hennekam lymphangiectasia-lymphedema syndrome 2 (HKLLS2). Identifiers: Orphanet 2136, MedGen C4014939, MONDO:0014454, OMIM 616006.

Allele frequency attached by ClinVar (database versions not stated): ExAC 0.00001; gnomAD 0.00001; TOPMed 0.00001; ESP Exome Variant Server 0.00017.
gnomAD v4.1: 16 of 1,613,578 alleles (0.00099%); highest among the groups gnomAD compares: Non-Finnish European, 0.0014%; no homozygotes.

Submissions (3):

Clinical Genomics Laboratory, Washington University in St. Louis
Classification: Uncertain significance for Hennekam lymphangiectasia-lymphedema syndrome 2. Last evaluated: 2024-05-15. Review status: criteria provided, single submitter. Criteria: ACMG Guidelines, 2015. Collection method: clinical testing. Allele origin: germline.
Comment: A FAT4 c.44C>G (p.Pro15Arg) variant was identified at a near heterozygous allelic fraction of 47%, a frequency which may be consistent with it being of germline origin. This variant, to our knowledge, has not been reported in the medical literature. The FAT4 c.44C>G (p.Pro15Arg) variant is only observed on 16/1,613,578 alleles in the general population (gnomAD v4.1.0), indicating that it is not a common variant. The variant has been reported in the ClinVar database as a variant of uncertain clinical significance by two submitters (ClinVar Variation ID: 1006605). Computational predictors suggest that this variant does not impact FAT4 function. Due to limited information, and based on ACMG/AMP guidelines for variant interpretation (Richards S et al., PMID: 25741868), the clinical significance of this variant is uncertain at this time.

GeneDx
Classification: Uncertain significance. Last evaluated: 2021-04-12. Review status: criteria provided, single submitter. Criteria: GeneDx Variant Classification Process June 2021. Collection method: clinical testing. Allele origin: germline. Affected: yes.
Comment: Not observed in large population cohorts (Lek et al., 2016); In silico analysis supports that this missense variant does not alter protein structure/function; Has not been previously published as pathogenic or benign to our knowledge

Labcorp Genetics (formerly Invitae), Labcorp
Classification: Uncertain significance. Last evaluated: 2018-05-12. Review status: criteria provided, single submitter. Criteria: Invitae Variant Classification Sherloc (09022015). Collection method: clinical testing. Allele origin: germline.
Comment: This sequence change replaces proline with arginine at codon 15 of the FAT4 protein (p.Pro15Arg). The proline residue is moderately conserved and there is a moderate physicochemical difference between proline and arginine. This variant is present in population databases (rs375956663, ExAC 0.002%). This variant has not been reported in the literature in individuals with FAT4-related disease. Algorithms developed to predict the effect of missense changes on protein structure and function (SIFT, PolyPhen-2, Align-GVGD) all suggest that this variant is likely to be tolerated, but these predictions have not been confirmed by published functional studies and their clinical significance is uncertain. In summary, the available evidence is currently insufficient to determine the role of this variant in disease. Therefore, it has been classified as a Variant of Uncertain Significance.

NM_001291303.3(FAT4):c.44C>G (p.Pro15Arg)

Gene: FAT4 (FAT atypical cadherin 4; plus strand). Cytogenetic location: 4q28.1.
Variant type: single nucleotide variant.
Coding change: c.44C>G on transcript NM_001291303.3 (MANE Select); coding-DNA position 44, C replaced by G.
Protein change: p.Pro15Arg; replaces proline 15 with arginine.
Molecular consequence: missense variant.
Genome position (GRCh38, 1-based): chr4:125,316,455, C>G. VCF-style: chr4-125316455-C-G. GRCh37 (hg19) VCF-style: chr4-126237610-C-G.
Other names: c.44C>G, p.Pro15Arg (NM_001291285.3, NM_024582.6); short protein forms P15R.
Identifiers: ClinVar variation 1006605 (VCV001006605.4), dbSNP rs375956663, ClinGen allele CA3071731.
Genomic context (GRCh38, chr4:125,316,455, plus strand): 5'-TTTAGGGAGCCAGGACCATGGACTTAGCACCAGACAGGGCTACTGGCCGCCCGTGGCTCC[C>G]GTTGCACACTCTATCAGTATCTCAGCTCCTTCGAGTGTTTTGGCTACTGTCATTGCTTCC-3'
Protein context (NP_001278232.1, residues 5-25): PDRATGRPWL[Pro15Arg]LHTLSVSQLL